The following is an entry in ClinVar:

ClinVar aggregate classification (germline): Uncertain significance (1 of 4 stars; one submission).

Allele frequency attached by ClinVar (database versions not stated): gnomAD exomes 0.00001; gnomAD 0.00002; ExAC 0.00004; 1000 Genomes Project 30x 0.00016; 1000 Genomes Project 0.00020.
gnomAD v4.1: 20 of 1,546,236 alleles (0.0013%); highest among the groups gnomAD compares: South Asian, 0.022%; no homozygotes.

Submission:

Labcorp Genetics (formerly Invitae), Labcorp
Classification: Uncertain significance. Last evaluated: 2022-09-07. Review status: criteria provided, single submitter. Criteria: Invitae Variant Classification Sherloc (09022015). Collection method: clinical testing. Allele origin: germline.
Comment: This sequence change replaces glutamine, which is neutral and polar, with arginine, which is basic and polar, at codon 231 of the ERBIN protein (p.Gln231Arg). This variant is present in population databases (rs564912303, gnomAD 0.02%). This variant has not been reported in the literature in individuals affected with ERBIN-related conditions. Algorithms developed to predict the effect of missense changes on protein structure and function (SIFT, PolyPhen-2, Align-GVGD) all suggest that this variant is likely to be disruptive. In summary, the available evidence is currently insufficient to determine the role of this variant in disease. Therefore, it has been classified as a Variant of Uncertain Significance.

NM_001253697.2(ERBIN):c.692A>G (p.Gln231Arg)

Gene: ERBIN (erbb2 interacting protein; plus strand). Cytogenetic location: 5q12.3.
Variant type: single nucleotide variant.
Coding change: c.692A>G on transcript NM_001253697.2 (MANE Select); coding-DNA position 692, A replaced by G.
Protein change: p.Gln231Arg; replaces glutamine 231 with arginine.
Molecular consequence: missense variant.
Genome position (GRCh38, 1-based): chr5:66,024,325, A>G. VCF-style: chr5-66024325-A-G. GRCh37 (hg19) VCF-style: chr5-65320153-A-G.
Other names: c.692A>G, p.Gln231Arg (NM_001006600.3, NM_001253698.2, NM_001253699.2 and 2 more transcripts); short protein forms Q231R.
Identifiers: ClinVar variation 1936668 (VCV001936668.5), dbSNP rs564912303, ClinGen allele CA3286026.
Genomic context (GRCh38, chr5:66,024,325, plus strand): 5'-AATGTTAATAGAGTCATTAGATTTTCTTTTTTTACTTATAGTTTATTGGTAGTTTGAAAC[A>G]GCTCACATATTTGGATGTTTCTAAAAATAATATTGAAATGGTTGAAGAAGGAATTTCAAC-3'
Protein context (NP_001240626.1, residues 221-241): FIPGFIGSLK[Gln231Arg]LTYLDVSKNN